The following is an entry in ClinVar:

NM_000939.4(POMC):c.368C>A (p.Pro123His)

Gene: POMC (proopiomelanocortin; minus strand). Cytogenetic location: 2p23.3.
Variant type: single nucleotide variant.
Coding change: c.368C>A on transcript NM_000939.4 (MANE Select); coding-DNA position 368, C replaced by A.
Protein change: p.Pro123His; replaces proline 123 with histidine.
Molecular consequence: missense variant.
Genome position (GRCh38, 1-based): chr2:25,161,517, G>T on the plus strand (C>A on the coding strand, the complement: POMC is on the minus strand). VCF-style: chr2-25161517-G-T. GRCh37 (hg19) VCF-style: chr2-25384386-G-T.
Other names: c.368C>A, p.Pro123His (NM_001035256.3, NM_001319204.2, NM_001319205.2); short protein forms P123H.
Identifiers: ClinVar variation 5001243 (VCV005001243.1).

ClinVar aggregate classification (germline): Uncertain significance (1 of 4 stars; one submission).

Conditions:
POMC-related disorder. Also called: POMC-related disorders; POMC-related condition.

Submission:

PreventionGenetics, part of Exact Sciences
Classification: Uncertain significance for POMC-related condition. Last evaluated: 2025-02-17. Review status: criteria provided, single submitter. Criteria: ACMG Guidelines, 2015. Collection method: clinical testing. Allele origin: germline.
Comment: The POMC c.368C>A variant is predicted to result in the amino acid substitution p.Pro123His. To our knowledge, this variant has not been reported in the literature or in a large population database (gnomAD), indicating this variant is rare. At this time, the clinical significance of this variant is uncertain due to the absence of conclusive functional and genetic evidence.